The following is an entry in ClinVar:

NM_004415.4(DSP):c.3193T>C (p.Tyr1065His)

Gene: DSP (desmoplakin; plus strand). Cytogenetic location: 6p24.3.
Variant type: single nucleotide variant.
Coding change: c.3193T>C on transcript NM_004415.4 (MANE Select); coding-DNA position 3193, T replaced by C.
Protein change: p.Tyr1065His; replaces tyrosine 1065 with histidine.
Molecular consequence: missense variant.
Genome position (GRCh38, 1-based): chr6:7,579,383, T>C. VCF-style: chr6-7579383-T-C. GRCh37 (hg19) VCF-style: chr6-7579616-T-C.
Other names: c.3193T>C, p.Tyr1065His (NM_001008844.3, NM_001319034.2); short protein forms Y1065H.
Identifiers: ClinVar variation 3390534 (VCV003390534.1).

ClinVar aggregate classification (germline): Uncertain significance (1 of 4 stars; one submission).

Submission:

GeneDx
Classification: Uncertain significance. Last evaluated: 2024-06-16. Review status: criteria provided, single submitter. Criteria: GeneDx Variant Classification Process June 2021. Collection method: clinical testing. Allele origin: germline. Affected: yes.
Comment: Not observed at significant frequency in large population cohorts (gnomAD); In silico analysis indicates that this missense variant does not alter protein structure/function; Has not been previously published as pathogenic or benign to our knowledge